The following is an entry in ClinVar:

ClinVar aggregate classification (germline): Pathogenic (1 of 4 stars; one submission).

Conditions:
Bartter disease type 3. Also called: Bartter syndrome type 3. Identifiers: Orphanet 112, Orphanet 93605, MedGen C1846343, MONDO:0011822, OMIM 607364.

Submission:

3billion
Classification: Pathogenic for Bartter disease type 3. Last evaluated: 2024-01-02. Review status: criteria provided, single submitter. Criteria: ACMG Guidelines, 2015. Collection method: clinical testing. Allele origin: germline. Affected: yes.
Comment: The variant is not observed in the gnomAD v2.1.1 dataset. Predicted Consequence/Location: Frameshift: predicted to result in a loss or disruption of normal protein function through nonsense-mediated decay (NMD) or protein truncation. Multiple pathogenic variants are reported downstream of the variant. Therefore, this variant is classified as Pathogenic according to the recommendation of ACMG/AMP guideline.

NM_000085.5(CLCNKB):c.1614del (p.Asn539fs)

Genes: CLCNKB (chloride voltage-gated channel Kb; plus strand), LOC106501713 (CLCNKB recombination region; plus strand). Cytogenetic location: 1p36.13.
Variant type: Deletion.
Coding change: c.1614del on transcript NM_000085.5 (MANE Select); coding-DNA position 1614, one base deleted (C; older notation c.1614delC).
Protein change: p.Asn539fs; shifts the reading frame from asparagine 539.
Molecular consequence: frameshift variant.
Genome position (GRCh38, 1-based): chr1:16,052,403, C deleted. VCF-style (leftmost placement, unchanged base first): chr1-16052402-GC-G. GRCh37 (hg19) VCF-style: chr1-16378897-GC-G.
Other names: c.1107del, p.Asn370fs (NM_001165945.2); short protein forms N370fs, N539fs.
Identifiers: ClinVar variation 3775672 (VCV003775672.1).